The following is an entry in ClinVar:

ClinVar aggregate classification (germline): Pathogenic. Review status: criteria provided, multiple submitters, no conflicts (2 of 4 stars). 2 submissions from 2 submitters: Pathogenic (2). Last evaluated 2025-11-10.

Conditions:
Familial adenomatous polyposis 1 (FAP1). Also called: POLYPOSIS, ADENOMATOUS INTESTINAL; FAMILIAL ADENOMATOUS POLYPOSIS 1, ATTENUATED. Identifiers: MedGen C2713442, MONDO:0021056, OMIM 175100. Disease mechanism: loss of function.
Hereditary cancer-predisposing syndrome. Also called: Tumor predisposition; Hereditary neoplastic syndrome; Neoplastic Syndromes, Hereditary; Hereditary Cancer Syndrome. Identifiers: Orphanet 140162, MedGen C0027672, MeSH D009386, MONDO:0015356.

Submissions (2):

Ambry Genetics
Classification: Pathogenic for Hereditary cancer-predisposing syndrome. Last evaluated: 2025-11-10. Review status: criteria provided, single submitter. Criteria: Ambry Variant Classification Scheme 2023. Collection method: clinical testing. Allele origin: germline.
Comment: The c.5065dupA pathogenic mutation, located in coding exon 15 of the APC gene, results from a duplication of A at nucleotide position 5065, causing a translational frameshift with a predicted alternate stop codon (p.T1689Nfs*11). This variant was reported in individual(s) with features consistent with APC-related familial adenomatous polyposis (Ambry internal data). This variant is considered to be rare based on population cohorts in the Genome Aggregation Database (gnomAD). This alteration is expected to result in loss of function by premature protein truncation or nonsense-mediated mRNA decay. As such, this alteration is interpreted as a disease-causing mutation.

Labcorp Genetics (formerly Invitae), Labcorp
Classification: Pathogenic for Familial adenomatous polyposis 1. Last evaluated: 2022-08-10. Review status: criteria provided, single submitter. Criteria: Invitae Variant Classification Sherloc (09022015). Collection method: clinical testing. Allele origin: germline.
Comment: This sequence change creates a premature translational stop signal (p.Thr1689Asnfs*11) in the APC gene. While this is not anticipated to result in nonsense mediated decay, it is expected to disrupt the last 1155 amino acid(s) of the APC protein. This variant is not present in population databases (gnomAD no frequency). This variant has not been reported in the literature in individuals affected with APC-related conditions. ClinVar contains an entry for this variant (Variation ID: 950387). This variant is expected to disrupt the EB1 and HDLG binding sites, which mediate interactions with the cytoskeleton (PMID: 15311282, 17293347). While functional studies have not been performed to directly test the effect on APC protein function, this suggests that disruption of the C-terminal portion of the protein is functionally important. A different truncation (p.Tyr2645Lysfs*14) that lies downstream of this variant has been determined to be pathogenic (PMID: 9824584, 1316610, 27081525, 8381579, 22135120, Invitae). This suggests that deletion of this region of the APC protein is causative of disease. For these reasons, this variant has been classified as Pathogenic.

Literature cited by the submitters: PubMed 15311282 (cited by Labcorp Genetics (formerly Invitae), Labcorp); PubMed 17293347 (cited by Labcorp Genetics (formerly Invitae), Labcorp); PubMed 9824584 (cited by Labcorp Genetics (formerly Invitae), Labcorp); PubMed 1316610 (cited by Labcorp Genetics (formerly Invitae), Labcorp); PubMed 27081525 (cited by Labcorp Genetics (formerly Invitae), Labcorp); PubMed 8381579 (cited by Labcorp Genetics (formerly Invitae), Labcorp); PubMed 22135120 (cited by Labcorp Genetics (formerly Invitae), Labcorp).

NM_000038.6(APC):c.5065dup (p.Thr1689fs)

Gene: APC (APC regulator of Wnt signaling pathway; plus strand). Cytogenetic location: 5q22.2.
Variant type: Duplication.
Coding change: c.5065dup on transcript NM_000038.6 (MANE Select); coding-DNA position 5065, one base duplicated (A; older notation c.5065dupA).
Protein change: p.Thr1689fs; shifts the reading frame from threonine 1689.
Molecular consequence: frameshift variant.
Genome position (GRCh38, 1-based): chr5:112,840,659, A duplicated. VCF-style (leftmost placement, unchanged base first): chr5-112840658-T-TA. GRCh37 (hg19) VCF-style: chr5-112176355-T-TA.
Other names: c.5065dup, p.Thr1689fs (NM_001127510.3, NM_001354895.2); c.5011dup, p.Thr1671fs (NM_001127511.3); c.5119dup, p.Thr1707fs (NM_001354896.2); c.5095dup, p.Thr1699fs (NM_001354897.2); c.4990dup, p.Thr1664fs (NM_001354898.2); c.4981dup, p.Thr1661fs (NM_001354899.2); c.4942dup, p.Thr1648fs (NM_001354900.2); c.4888dup, p.Thr1630fs (NM_001354901.2); and 6 more; short protein forms T1598fs, T1648fs, T1664fs, T1529fs, T1563fs, T1689fs, T1406fs, T1630fs.
Identifiers: ClinVar variation 950387 (VCV000950387.12), dbSNP rs1765838341, ClinGen allele CA1139659017.